The following is an entry in ClinVar:

ClinVar aggregate classification (germline): Pathogenic. Review status: criteria provided, multiple submitters, no conflicts (2 of 4 stars). 12 submissions from 12 submitters: Pathogenic (10). 2 of the submissions do not count toward it. Last evaluated 2026-04-14.

Conditions:
THRB-related disorder. Also called: THRB-related condition.
Thyroid hormone resistance syndrome. Identifiers: MedGen C2940786, MONDO:0001328.
Hyperthyroidism. Identifiers: MedGen C0020550, MONDO:0004425, HP:0000836.
Thyroid hormone resistance, generalized, autosomal dominant (GRTHD). Also called: HYPERTHYROXINEMIA, FAMILIAL EUTHYROID, SECONDARY TO PITUITARY AND PERIPHERAL RESISTANCE TO THYROID HORMONES. Identifiers: MedGen C2937288, MONDO:0008569, OMIM 188570.

Submissions (12):

PreventionGenetics, part of Exact Sciences
Classification: Pathogenic for THRB-related condition. Last evaluated: 2026-04-14. Review status: criteria provided, single submitter. Criteria: ACMG Guidelines, 2015. Collection method: clinical testing. Allele origin: germline.
Comment: The THRB c.949G>A variant is predicted to result in the amino acid substitution p.Ala317Thr. This variant has been reported in the heterozygous state in individuals with thyroid hormone resistance (reported as Ala312Thr, Parrilla et al. 1991. PubMed ID: 1661299; Macchia et al. 2014. PubMed ID: 25040256; Cardoso et al. 2014. PubMed ID: 25063548; Guo et al. 2016. PubMed ID: 27537566). This variant has not been reported in a large population database (gnomAD), indicating this variant is rare. This variant is interpreted as pathogenic for autosomal dominant disease.

Cambridge Genomics Laboratory, East Genomic Laboratory Hub, NHS Genomic Medicine Service
Classification: Pathogenic for Hyperthyroidism. Last evaluated: 2026-01-08. Review status: criteria provided, single submitter. Criteria: ACGS Best Practice Guidelines for Variant Classification in Rare Disease 2020. Collection method: clinical testing. Allele origin: germline. Affected: yes.
Comment: PS2,PS3_Supporting,PS4_Moderate,PM1_Supporting,PM2,PP1,PP3,PP4

3billion
Classification: Pathogenic for Thyroid hormone resistance, generalized, autosomal dominant. Last evaluated: 2025-09-12. Review status: criteria provided, single submitter. Criteria: ACMG Guidelines, 2015. Collection method: clinical testing. Allele origin: germline. Affected: yes.
Comment: The variant is not observed in the gnomAD v4.1.0 dataset. Predicted Consequence/Location: Missense variant. Missense changes are a common disease-causing mechanism. In silico tool predictions suggest damaging effect of the variant on gene or gene product [REVEL: 0.78 (>=0.6, sensitivity 0.68 and specificity 0.92); 3Cnet: 1.00 (> 0.75, sensitivity 0.96 and precision 0.92)]. The same nucleotide change resulting in the same amino acid change has been previously reported as pathogenic/likely pathogenic with strong evidence (ClinVar ID: VCV000012542 /PMID: 1661299). The variant has been observed in at least two similarly affected unrelated individuals (PMID: 1661299, 27537566). Different missense changes at the same codon (p.Ala317Ser, p.Ala317Val) have been reported to be associated with THRB-related disorder (ClinVar ID: VCV000993243 /PMID: 20237409, 25738994). Therefore, this variant is classified as Pathogenic according to the recommendation of ACMG/AMP guideline.

GeneDx
Classification: Pathogenic. Last evaluated: 2025-07-13. Review status: criteria provided, single submitter. Criteria: GeneDx Variant Classification Process June 2021. Collection method: clinical testing. Allele origin: germline. Affected: yes.
Comment: Published functional studies demonstrate a damaging effect, as in vitro translational studies showed impaired binding affinity compared to the wild-type (PMID: 1661299, 25040256); Not observed at significant frequency in large population cohorts (gnomAD); In silico analysis suggests that this missense variant does not alter protein structure/function; This variant is associated with the following publications: (PMID: 19227423, 9459636, 17610520, 8514853, 22460197, 25063548, 25040256, 10710882, 20940675, 1661299, 30976996, 19268523, 7616549, 8013151, 2879243, 1400869, 27537566, 35689814, 39189533, 30148208, 27535533)

Women's Health and Genetics/Laboratory Corporation of America, LabCorp
Classification: Pathogenic for Thyroid hormone resistance, generalized, autosomal dominant. Last evaluated: 2024-02-08. Review status: criteria provided, single submitter. Criteria: LabCorp Variant Classification Summary - May 2015. Collection method: clinical testing. Allele origin: germline.
Comment: Variant summary: THRB c.949G>A (p.Ala317Thr) results in a non-conservative amino acid change located in the nuclear hormone receptor, ligand-binding domain (IPR000536) of the encoded protein sequence. Four of five in-silico tools predict a damaging effect of the variant on protein function. The variant was absent in 251452 control chromosomes (gnomAD). c.949G>A has been reported in the literature in multiple individuals affected with Autosomal Dominant, Generalized Thyroid Hormone Resistance (e.g. Parrilla_1991, Poyrazolu_2008, Macchia_2014, Guo_2016). These data indicate that the variant is very likely to be associated with disease. At least two publications report experimental evidence evaluating an impact on protein function and found that the variant has impaired T3 binding affinity, approximately 20% that of the WT receptor (Parrilla_1991, Macchia_2014). The following publications have been ascertained in the context of this evaluation (PMID: 27537566, 25040256, 1661299, 19227423). ClinVar contains an entry for this variant (Variation ID: 12542). Based on the evidence outlined above, the variant was classified as pathogenic.

Quest Diagnostics Nichols Institute San Juan Capistrano
Classification: Pathogenic. Last evaluated: 2023-02-06. Review status: criteria provided, single submitter. Criteria: Quest Diagnostics criteria. Collection method: clinical testing. Allele origin: unknown.
Comment: This variant has not been reported in large, multi-ethnic general populations. In the published literature, the variant has been reported in individuals with resistance to thyroid hormone (RTH) (PMIDs: 1661299 (1991), 9459636 (1997), 10710882 (2000), 19227423 (2008), 25063548 (2014), 25040256 (2014), and 27537566 (2016)). Additionally, the variant has been reported to segregate with resistance to thyroid hormone in several families (PMIDs: 1661299 (1991), 25063548 (2014), and 27537566 (2016)). Studies assessing the variant's impact on protein function suggest a damaging effect (PMIDs: 1661299 (1991), 12554782 (2003), and 25040256 (2014). Analysis of this variant using bioinformatics tools for the prediction of the effect of amino acid changes on protein structure and function yielded predictions that this variant is damaging. Based on the available information, this variant is classified as pathogenic.

Clinical Genetics Laboratory, Skane University Hospital Lund
Classification: Pathogenic. Last evaluated: 2022-07-13. Review status: criteria provided, single submitter. Criteria: ACMG Guidelines, 2015. Collection method: clinical testing. Allele origin: germline. Affected: yes.

Blueprint Genetics
Classification: Pathogenic for THRB-related disorders. Last evaluated: 2021-06-15. Review status: criteria provided, single submitter. Criteria: ACMG Guidelines, 2015. Collection method: clinical testing. Allele origin: germline. Affected: yes. Observed: 2 variant alleles.

Victorian Clinical Genetics Services, Murdoch Childrens Research Institute
Classification: Pathogenic for Thyroid hormone resistance syndrome. Last evaluated: 2020-05-21. Review status: criteria provided, single submitter. Criteria: ACMG Guidelines, 2015. Collection method: clinical testing. Allele origin: germline. Affected: yes.
Comment: Based on the classification scheme VCGS_Germline_v1.1.1, this variant is classified as Pathogenic. Following criteria are met: 0104 - Dominant Negative is a mechanism of disease for this gene. (N) 0108 - This gene is known to be associated with both recessive and dominant disease. (A single family has been reported for the autosomal recessive disease. Carriers of exon 4-10 deletion were clinically normal; PMID: 1991834) (N) 0112 - Variants in this gene are known to have reduced penetrance (PMID: 8381821). (N) 0200 - Variant is predicted to result in a missense amino acid change from alanine to threonine (exon 10). (N) 0251 - Variant is heterozygous. (N) 0301 - Variant is absent from gnomAD. (P) 0502 - Missense variant with conflicting in silico predictions and/or uninformative conservation. (N) 0603 - Missense variant in a region that is highly intolerant to missense variation (high constraint region). (P) 0703 - Comparable variants have moderate previous evidence for pathogenicity. (p.(Ala317Val) identified in 2 unrelated patients with RTH syndrome; PMID: 24969835, 30027432) (P) 0801 - Strong previous evidence of pathogenicity in unrelated individuals. (ClinVar, PMID: 8040303, 8514853, 7677297) (P) 0903 - Low evidence for segregation with disease. (PMID: 7616549, 17610520) (P) 1007 - No published functional evidence has been identified for this variant. (N) 1208 - Inheritance information for this variant is not currently available. (N) Legend: (P) - Pathogenic, (N) - Neutral, (B) - Benign

Revvity Omics, Revvity
Classification: Pathogenic. Last evaluated: 2020-04-05. Review status: criteria provided, single submitter. Criteria: ACMG Guidelines, 2015. Collection method: clinical testing. Allele origin: germline.

Clinical Molecular Genetics Laboratory, Johns Hopkins All Children's Hospital
Classification: Pathogenic for Thyroid hormone resistance, generalized, autosomal dominant. Last evaluated: 2013-07-23. Review status: no assertion criteria provided. Collection method: clinical testing. Allele origin: germline. Affected: yes. Not counted in ClinVar's aggregate classification.

OMIM
Classification: Pathogenic for THYROID HORMONE RESISTANCE, GENERALIZED, AUTOSOMAL DOMINANT. Last evaluated: 1995-05-01. Review status: no assertion criteria provided. Collection method: literature only. Allele origin: germline. Not counted in ClinVar's aggregate classification.

Literature cited by the submitters: PubMed 1661299 (cited by 4 submitters); PubMed 20237409 (cited by 3billion); PubMed 27537566 (cited by 3 submitters); PubMed 25040256 (cited by Women's Health and Genetics/Laboratory Corporation of America, LabCorp and Quest Diagnostics Nichols Institute San Juan Capistrano); PubMed 19227423 (cited by Women's Health and Genetics/Laboratory Corporation of America, LabCorp and Quest Diagnostics Nichols Institute San Juan Capistrano); PubMed 9459636 (cited by Quest Diagnostics Nichols Institute San Juan Capistrano); PubMed 10710882 (cited by Quest Diagnostics Nichols Institute San Juan Capistrano); PubMed 12554782 (cited by Quest Diagnostics Nichols Institute San Juan Capistrano); PubMed 25063548 (cited by Quest Diagnostics Nichols Institute San Juan Capistrano); PubMed 20940675 (cited by Quest Diagnostics Nichols Institute San Juan Capistrano); PubMed 1991834 (cited by Victorian Clinical Genetics Services, Murdoch Childrens Research Institute); PubMed 7616549 (cited by Victorian Clinical Genetics Services, Murdoch Childrens Research Institute and OMIM); PubMed 7677297 (cited by Victorian Clinical Genetics Services, Murdoch Childrens Research Institute); PubMed 8040303 (cited by Victorian Clinical Genetics Services, Murdoch Childrens Research Institute); PubMed 8381821 (cited by Victorian Clinical Genetics Services, Murdoch Childrens Research Institute); PubMed 8514853 (cited by Victorian Clinical Genetics Services, Murdoch Childrens Research Institute and OMIM); PubMed 17610520 (cited by Victorian Clinical Genetics Services, Murdoch Childrens Research Institute); PubMed 24969835 (cited by Victorian Clinical Genetics Services, Murdoch Childrens Research Institute); PubMed 30027432 (cited by Victorian Clinical Genetics Services, Murdoch Childrens Research Institute); PubMed 2879243 (cited by OMIM); PubMed 8013151 (cited by OMIM); PubMed 1400869 (cited by OMIM).

NM_001354712.2(THRB):c.949G>A (p.Ala317Thr)

Gene: THRB (thyroid hormone receptor beta; minus strand). Cytogenetic location: 3p24.2.
Variant type: single nucleotide variant.
Coding change: c.949G>A on transcript NM_001354712.2 (MANE Select); coding-DNA position 949, G replaced by A.
Protein change: p.Ala317Thr; replaces alanine 317 with threonine.
Molecular consequence: missense variant.
Genome position (GRCh38, 1-based): chr3:24,127,694, C>T on the plus strand (G>A on the coding strand, the complement: THRB is on the minus strand). VCF-style: chr3-24127694-C-T. GRCh37 (hg19) VCF-style: chr3-24169185-C-T.
Other names: c.949G>A (NM_001128177.1); c.949G>A, p.Ala317Thr (NM_000461.5, NM_001128176.3, NM_001128177.2 and 6 more transcripts); c.856G>A, p.Ala286Thr (NM_001354714.2, NM_001354715.2); short protein forms A317T, A286T.
Identifiers: ClinVar variation 12542 (VCV000012542.21), dbSNP rs121918690, ClinGen allele CA122467.